The following is an entry in ClinVar:

ClinVar aggregate classification (germline): Benign. Review status: criteria provided, multiple submitters, no conflicts (2 of 4 stars). 7 submissions from 7 submitters: Benign (7). Last evaluated 2026-02-01.

Conditions:
Connective tissue disorder. Also called: Connective tissue disease. Identifiers: MedGen C0009782, MONDO:0003900.
Achondrogenesis, type IA (ACG1A). Identifiers: Orphanet 932, Orphanet 93299, MedGen C0265273, MONDO:0008701, OMIM 200600.

Allele frequency attached by ClinVar (database versions not stated): gnomAD exomes 0.00817 and 0.01549; ExAC 0.01678; 1000 Genomes Project 30x 0.03232; 1000 Genomes Project 0.03514; ESP Exome Variant Server 0.00092; gnomAD 0.00410 and 0.00741; TOPMed 0.00437.
gnomAD v4.1: 13,227 of 1,613,250 alleles (0.82%); highest among the groups gnomAD compares: East Asian, 8.8%; 462 homozygotes.

Submissions (7):

Labcorp Genetics (formerly Invitae), Labcorp
Classification: Benign for Achondrogenesis, type IA. Last evaluated: 2026-02-01. Review status: criteria provided, single submitter. Criteria: Invitae Variant Classification Sherloc (09022015). Collection method: clinical testing. Allele origin: germline.

Mayo Clinic Laboratories, Mayo Clinic
Classification: Benign. Last evaluated: 2024-11-16. Review status: criteria provided, single submitter. Criteria: ACMG Guidelines, 2015. Collection method: clinical testing. Allele origin: germline. Observed: 2 variant alleles.

ARUP Laboratories, Molecular Genetics and Genomics, ARUP Laboratories
Classification: Benign. Last evaluated: 2023-11-11. Review status: criteria provided, single submitter. Criteria: ARUP Molecular Germline Variant Investigation Process 2024. Collection method: clinical testing. Allele origin: germline.

Genome Diagnostics Laboratory, The Hospital for Sick Children
Classification: Benign for Connective tissue disorder. Last evaluated: 2021-05-12. Review status: criteria provided, single submitter. Criteria: ACMG Guidelines, 2015. Collection method: clinical testing. Allele origin: germline.

Illumina Laboratory Services, Illumina
Classification: Benign for Achondrogenesis, type IA. Last evaluated: 2018-01-13. Review status: criteria provided, single submitter. Criteria: ICSL Variant Classification Criteria 13 December 2019. Collection method: clinical testing. Allele origin: germline.
Comment: This variant was observed in the ICSL laboratory as part of a predisposition screen in an ostensibly healthy population. It had not been previously curated by ICSL or reported in the Human Gene Mutation Database (HGMD: prior to June 1st, 2018), and was therefore a candidate for classification through an automated scoring system. Utilizing variant allele frequency, disease prevalence and penetrance estimates, and inheritance mode, an automated score was calculated to assess if this variant is too frequent to cause the disease. Based on the score and internal cut-off values, a variant classified as benign is not then subjected to further curation. The score for this variant resulted in a classification of benign for this disease.

GeneDx
Classification: Benign. Last evaluated: 2017-01-30. Review status: criteria provided, single submitter. Criteria: GeneDx Variant Classification (06012015). Collection method: clinical testing. Allele origin: germline. Affected: yes.
Comment: This variant is considered likely benign or benign based on one or more of the following criteria: it is a conservative change, it occurs at a poorly conserved position in the protein, it is predicted to be benign by multiple in silico algorithms, and/or has population frequency not consistent with disease.

Breakthrough Genomics
Classification: Benign. Review status: criteria provided, single submitter. Criteria: ACMG Guidelines, 2015. Collection method: not provided. Allele origin: germline. Inheritance: Autosomal recessive inheritance. Affected: yes.

NM_004239.4(TRIP11):c.5086G>A (p.Glu1696Lys)

Gene: TRIP11 (thyroid hormone receptor interactor 11; minus strand). Cytogenetic location: 14q32.12.
Variant type: single nucleotide variant.
Coding change: c.5086G>A on transcript NM_004239.4 (MANE Select); coding-DNA position 5086, G replaced by A.
Protein change: p.Glu1696Lys; replaces glutamic acid 1696 with lysine.
Molecular consequence: missense variant.
Genome position (GRCh38, 1-based): chr14:91,993,883, C>T on the plus strand (G>A on the coding strand, the complement: TRIP11 is on the minus strand). VCF-style: chr14-91993883-C-T. GRCh37 (hg19) VCF-style: chr14-92460227-C-T.
Other names: p.Glu1696Lys; c.5083G>A, p.Glu1695Lys (NM_001321851.1); short protein forms E1696K, E1695K.
Identifiers: ClinVar variation 314934 (VCV000314934.28), dbSNP rs80200454, ClinGen allele CA7313283.